The following is an entry in ClinVar:

ClinVar aggregate classification (germline): Uncertain significance (1 of 4 stars; one submission).

Submission:

Labcorp Genetics (formerly Invitae), Labcorp
Classification: Uncertain significance. Last evaluated: 2023-03-03. Review status: criteria provided, single submitter. Criteria: Invitae Variant Classification Sherloc (09022015). Collection method: clinical testing. Allele origin: germline.
Comment: This variant is not present in population databases (gnomAD no frequency). In summary, the available evidence is currently insufficient to determine the role of this variant in disease. Therefore, it has been classified as a Variant of Uncertain Significance. Advanced modeling of protein sequence and biophysical properties (such as structural, functional, and spatial information, amino acid conservation, physicochemical variation, residue mobility, and thermodynamic stability) performed at Invitae indicates that this missense variant is not expected to disrupt CTNNA1 protein function. This variant has not been reported in the literature in individuals affected with CTNNA1-related conditions. This sequence change replaces glutamine, which is neutral and polar, with glutamic acid, which is acidic and polar, at codon 421 of the CTNNA1 protein (p.Gln421Glu).

NM_001903.5(CTNNA1):c.1261C>G (p.Gln421Glu)

Gene: CTNNA1 (catenin alpha 1; plus strand). Cytogenetic location: 5q31.2.
Variant type: single nucleotide variant.
Coding change: c.1261C>G on transcript NM_001903.5 (MANE Select); coding-DNA position 1261, C replaced by G.
Protein change: p.Gln421Glu; replaces glutamine 421 with glutamic acid.
Molecular consequence: missense variant. On other transcripts: 5 prime UTR variant (5), intron variant (2).
Genome position (GRCh38, 1-based): chr5:138,887,607, C>G. VCF-style: chr5-138887607-C-G. GRCh37 (hg19) VCF-style: chr5-138223296-C-G.
Other names: c.151C>G, p.Gln51Glu (NM_001323987.1, NM_001323988.1, NM_001323989.1 and 18 more transcripts); c.1261C>G, p.Gln421Glu (NM_001290307.3, NM_001323982.2, NM_001323983.1 and 3 more transcripts); c.952C>G, p.Gln318Glu (NM_001290309.3); c.892C>G, p.Gln298Glu (NM_001290310.3); c.-247C>G (NM_001324006.1, NM_001324007.1, NM_001324008.1 and 1 more transcripts); c.-122C>G (NM_001324013.1); c.-58+12010C>G (NM_001324012.1); c.-61+12010C>G (NM_001324010.1); short protein forms Q421E, Q51E, Q298E, Q318E.
Identifiers: ClinVar variation 2776876 (VCV002776876.3), dbSNP rs1754355304, ClinGen allele CA361133197.